The following is an entry in ClinVar:

NM_194248.3(OTOF):c.1016T>C (p.Met339Thr)

Gene: OTOF (otoferlin; minus strand). Cytogenetic location: 2p23.3.
Variant type: single nucleotide variant.
Coding change: c.1016T>C on transcript NM_194248.3 (MANE Select); coding-DNA position 1016, T replaced by C.
Protein change: p.Met339Thr; replaces methionine 339 with threonine.
Molecular consequence: missense variant.
Genome position (GRCh38, 1-based): chr2:26,489,240, A>G on the plus strand (T>C on the coding strand, the complement: OTOF is on the minus strand). VCF-style: chr2-26489240-A-G. GRCh37 (hg19) VCF-style: chr2-26712108-A-G.
Other names: c.1016T>C, p.Met339Thr (NM_001287489.2); short protein forms M339T.
Identifiers: ClinVar variation 1964906 (VCV001964906.3), dbSNP rs746069316, ClinGen allele CA1564415.

ClinVar aggregate classification (germline): Uncertain significance. Review status: criteria provided, multiple submitters, no conflicts (2 of 4 stars). 2 submissions from 2 submitters: Uncertain significance (2). Last evaluated 2024-04-11.

Allele frequency attached by ClinVar (database versions not stated): TOPMed below 0.00001; ExAC 0.00002; gnomAD exomes 0.00002.
gnomAD v4.1: 23 of 1,613,028 alleles (0.0014%); highest among the groups gnomAD compares: Non-Finnish European, 0.0019%; no homozygotes.

Submissions (2):

Blueprint Genetics
Classification: Uncertain significance. Last evaluated: 2024-04-11. Review status: criteria provided, single submitter. Criteria: ACMG Guidelines, 2015. Collection method: clinical testing. Allele origin: germline.

Labcorp Genetics (formerly Invitae), Labcorp
Classification: Uncertain significance. Last evaluated: 2022-09-27. Review status: criteria provided, single submitter. Criteria: Invitae Variant Classification Sherloc (09022015). Collection method: clinical testing. Allele origin: germline.
Comment: This sequence change replaces methionine, which is neutral and non-polar, with threonine, which is neutral and polar, at codon 339 of the OTOF protein (p.Met339Thr). This variant is present in population databases (rs746069316, gnomAD 0.002%). This variant has not been reported in the literature in individuals affected with OTOF-related conditions. Advanced modeling of protein sequence and biophysical properties (such as structural, functional, and spatial information, amino acid conservation, physicochemical variation, residue mobility, and thermodynamic stability) performed at Invitae indicates that this missense variant is not expected to disrupt OTOF protein function. In summary, the available evidence is currently insufficient to determine the role of this variant in disease. Therefore, it has been classified as a Variant of Uncertain Significance.